The following is an entry in ClinVar:

NM_000069.3(CACNA1S):c.399-12T>A

Gene: CACNA1S (calcium voltage-gated channel subunit alpha1 S; minus strand). Cytogenetic location: 1q32.1.
Variant type: single nucleotide variant.
Coding change: c.399-12T>A on transcript NM_000069.3 (MANE Select); 12 bases into the intron before coding-DNA position 399, T replaced by A.
Molecular consequence: intron variant.
Genome position (GRCh38, 1-based): chr1:201,092,126, A>T on the plus strand (T>A on the coding strand, the complement: CACNA1S is on the minus strand). VCF-style: chr1-201092126-A-T. GRCh37 (hg19) VCF-style: chr1-201061254-A-T.
Identifiers: ClinVar variation 4757968 (VCV004757968.1).

ClinVar aggregate classification (germline): Uncertain significance (1 of 4 stars; one submission).

Conditions:
Malignant hyperthermia, susceptibility to, 5 (MHS5). Also called: CACNA1S-Related Malignant Hyperthermia Susceptibility. Identifiers: Orphanet 423, MedGen C1866077, MONDO:0011163, OMIM 601887.

Submission:

Color Diagnostics, LLC DBA Color Health
Classification: Uncertain significance for Malignant hyperthermia, susceptibility to, 5. Last evaluated: 2025-09-05. Review status: criteria provided, single submitter. Criteria: ACMG Guidelines, 2015. Collection method: clinical testing. Allele origin: germline.
Comment: This variant causes a T to A nucleotide substitution at the -12 position of intron 3 of the CACNA1S gene. To our knowledge, RNA studies have not been reported for this variant. This variant has not been reported in individuals affected with CACNA1S-related disorders in the literature. This variant has not been identified in the general population by the Genome Aggregation Database (gnomAD). The available evidence is insufficient to determine the role of this variant in disease conclusively. Therefore, this variant is classified as a Variant of Uncertain Significance.